The following is an entry in ClinVar:

ClinVar aggregate classification (germline): Pathogenic (1 of 4 stars; one submission).

Conditions:
Neurodevelopmental disorder with hypotonia, epilepsy, and absent speech. Identifiers: MedGen C6065942, MONDO:0980940, OMIM 621455.

Submission:

3billion
Classification: Pathogenic for Neurodevelopmental disorder with hypotonia, epilepsy, and absent speech. Last evaluated: 2023-09-04. Review status: criteria provided, single submitter. Criteria: ACMG Guidelines, 2015. Collection method: clinical testing. Allele origin: germline. Inheritance: Autosomal recessive inheritance. Affected: yes.
Comment: The variant is not observed in the gnomAD v4.1.0 dataset..Stop-gained (nonsense): predicted to result in a loss or disruption of normal protein function through nonsense-mediated decay (NMD) or protein truncation. Regardless of the mechanism, a variant called homozygous is by default in trans. According to the ACMG guideline, this variant was classified as pathogenic.

NM_001080421.3(UNC13A):c.1903_1951del (p.Arg634_Glu635insTer)

Gene: UNC13A (unc-13 homolog A; minus strand). Cytogenetic location: 19p13.11.
Variant type: Deletion.
Coding change: c.1903_1951del on transcript NM_001080421.3 (MANE Select); coding-DNA positions 1903 to 1951, 49 bases deleted.
Protein change: p.Arg634_Glu635insTer.
Molecular consequence: nonsense.
Genome position (GRCh38, 1-based): chr19:17,647,358-17,647,406, 49 bases deleted; deleting any 49 consecutive bases within chr19:17,647,358-17,647,409 gives the same sequence; the c. name uses the placement nearest the transcript's 3' end. GRCh37 (hg19): chr19:17,758,170-17,758,218.
Other names: c.1897_1945del, p.Arg632_Glu633insTer (NM_001387021.1, NM_001387022.1, NM_001387023.1).
Identifiers: ClinVar variation 3775364 (VCV003775364.2).
Genomic context (GRCh38, chr19:17,647,357, plus strand): 5'-GTGCCGTCCAGCACGCTCTGCTTGACCGCCTTCATCTGCTGCGTGTGCGCCGTCTTGGTC[ACCGCGAAGATCTCCTGGATGAGCTCGAAGATCTCGGGCTTGTTGCGCTC>A]CCGGATCTTCATGCGGTCCTTGAGCACCATGATGATGTTCTGTGTCCGGTCCTCCGCCCC-3'